The following is an entry in ClinVar:

NM_000455.5(STK11):c.445C>T (p.Pro149Ser)

Gene: STK11 (serine/threonine kinase 11; plus strand). Cytogenetic location: 19p13.3.
Variant type: single nucleotide variant.
Coding change: c.445C>T on transcript NM_000455.5 (MANE Select); coding-DNA position 445, C replaced by T.
Protein change: p.Pro149Ser; replaces proline 149 with serine.
Molecular consequence: missense variant.
Genome position (GRCh38, 1-based): chr19:1,219,394, C>T. VCF-style: chr19-1219394-C-T. GRCh37 (hg19) VCF-style: chr19-1219393-C-T.
Other names: short protein forms P149S.
Identifiers: ClinVar variation 844231 (VCV000844231.9), dbSNP rs2080765884, ClinGen allele CA089387.

ClinVar aggregate classification (germline): Uncertain significance (1 of 4 stars; one submission).

Conditions:
Peutz-Jeghers syndrome (PJS). Also called: POLYPOSIS, HAMARTOMATOUS INTESTINAL; POLYPS-AND-SPOTS SYNDROME; Peutz-Jeghers polyposis; Periorificial lentiginosis syndrome. Identifiers: Orphanet 2869, MedGen C0031269, MeSH D010580, MONDO:0008280, OMIM 175200.

Submission:

Labcorp Genetics (formerly Invitae), Labcorp
Classification: Uncertain significance for Peutz-Jeghers syndrome. Last evaluated: 2019-05-31. Review status: criteria provided, single submitter. Criteria: Invitae Variant Classification Sherloc (09022015). Collection method: clinical testing. Allele origin: germline.
Comment: Algorithms developed to predict the effect of missense changes on protein structure and function are either unavailable or do not agree on the potential impact of this missense change (SIFT: "Tolerated"; PolyPhen-2: "Probably Damaging"; Align-GVGD: "Class C15"). In summary, the available evidence is currently insufficient to determine the role of this variant in disease. Therefore, it has been classified as a Variant of Uncertain Significance. This variant is not present in population databases (ExAC no frequency). This sequence change replaces proline with serine at codon 149 of the STK11 protein (p.Pro149Ser). The proline residue is highly conserved and there is a moderate physicochemical difference between proline and serine.